The following is an entry in ClinVar:

ClinVar aggregate classification (germline): Likely benign (1 of 4 stars; one submission).

Conditions:
PLXNA2-related disorder. Also called: PLXNA2-related condition.

gnomAD v4.1: 6 of 1,612,468 alleles (0.00037%); highest among the groups gnomAD compares: Admixed American, 0.0033%; no homozygotes.

Submission:

PreventionGenetics, part of Exact Sciences
Classification: Likely benign for PLXNA2-related condition. Last evaluated: 2025-03-09. Review status: criteria provided, single submitter. Criteria: ACMG Guidelines, 2015. Collection method: clinical testing. Allele origin: germline.
Comment: This variant is classified as likely benign based on ACMG/AMP sequence variant interpretation guidelines (Richards et al. 2015 PMID: 25741868, with internal and published modifications).

NM_025179.4(PLXNA2):c.2484C>G (p.Gly828=)

Gene: PLXNA2 (plexin A2; minus strand). Cytogenetic location: 1q32.2.
Variant type: single nucleotide variant.
Coding change: c.2484C>G on transcript NM_025179.4 (MANE Select); coding-DNA position 2484, C replaced by G.
Protein change: p.Gly828=; no amino-acid change (glycine 828 retained).
Molecular consequence: synonymous variant.
Genome position (GRCh38, 1-based): chr1:208,079,362, G>C on the plus strand (C>G on the coding strand, the complement: PLXNA2 is on the minus strand). VCF-style: chr1-208079362-G-C. GRCh37 (hg19) VCF-style: chr1-208252707-G-C.
Identifiers: ClinVar variation 4979187 (VCV004979187.1).